The following is an entry in ClinVar:

NM_001267550.2(TTN):c.77843del (p.Thr25948fs)

Genes: TTN (titin; minus strand), TTN-AS1 (TTN antisense RNA 1; plus strand). Cytogenetic location: 2q31.2.
Variant type: Deletion.
Coding change: c.77843del on transcript NM_001267550.2 (MANE Select); coding-DNA position 77843, one base deleted (C; older notation c.77843delC).
Protein change: p.Thr25948fs; shifts the reading frame from threonine 25948.
Molecular consequence: frameshift variant.
Genome position (GRCh38, 1-based): chr2:178,568,289, G deleted on the plus strand (C on the coding strand, the reverse complement: TTN is on the minus strand). VCF-style (leftmost placement, unchanged base first): chr2-178568288-AG-A. GRCh37 (hg19) VCF-style: chr2-179433015-AG-A.
Other names: c.72920del, p.Thr24307fs (NM_001256850.1); c.50648del, p.Thr16883fs (NM_003319.4); c.70139del, p.Thr23380fs (NM_133378.4); c.51023del, p.Thr17008fs (NM_133432.3); c.51224del, p.Thr17075fs (NM_133437.4); short protein forms T24307fs, T25948fs, T17008fs, T17075fs, T23380fs, T16883fs.
Identifiers: ClinVar variation 2025739 (VCV002025739.4), dbSNP rs2468356295, ClinGen allele CA2580064785.

ClinVar aggregate classification (germline): Likely pathogenic (1 of 4 stars; one submission).

Conditions:
Dilated cardiomyopathy 1G (CMD1G). Identifiers: Orphanet 154, MedGen C1858763, MONDO:0011400, OMIM 604145.
Autosomal recessive limb-girdle muscular dystrophy type 2J (LGMDR10). Also called: Limb-girdle muscular dystrophy, type 2J; MUSCULAR DYSTROPHY, LIMB-GIRDLE, AUTOSOMAL RECESSIVE 10. Identifiers: Orphanet 140922, MedGen C1837342, MONDO:0012127, OMIM 608807.

Submission:

Labcorp Genetics (formerly Invitae), Labcorp
Classification: Likely pathogenic for Dilated cardiomyopathy 1G; Autosomal recessive limb-girdle muscular dystrophy type 2J. Last evaluated: 2025-07-16. Review status: criteria provided, single submitter. Criteria: Invitae Variant Classification Sherloc (09022015). Collection method: clinical testing. Allele origin: germline.
Comment: This sequence change creates a premature translational stop signal (p.Thr25948Ilefs*5) in the TTN gene. While this is not anticipated to result in nonsense mediated decay, it is expected to create a truncated TTN protein. This variant is not present in population databases (gnomAD no frequency). This variant has not been reported in the literature in individuals affected with TTN-related conditions. ClinVar contains an entry for this variant (Variation ID: 2025739). This variant is located in the A band of TTN (PMID: 25589632). Truncating variants in this region are significantly overrepresented in patients affected with dilated cardiomyopathy (PMID: 25589632). Truncating variants in this region have also been reported in individuals affected with autosomal recessive centronuclear myopathy (PMID: 23975875). In summary, the currently available evidence indicates that the variant is pathogenic, but additional data are needed to prove that conclusively. Therefore, this variant has been classified as Likely Pathogenic.

Literature cited by the submitters: PubMed 25589632; PubMed 23975875.